The following is an entry in ClinVar:

NM_000255.4(MMUT):c.1469_1470insCGTTCAG (p.Lys491fs)

Gene: MMUT (methylmalonyl-CoA mutase; minus strand). Cytogenetic location: 6p12.3.
Variant type: Insertion.
Coding change: c.1469_1470insCGTTCAG on transcript NM_000255.4 (MANE Select); coding-DNA positions 1469 to 1470, CGTTCAG inserted.
Protein change: p.Lys491fs; shifts the reading frame from lysine 491.
Molecular consequence: frameshift variant.
Genome position: GRCh38 VCF-style: chr6-49447760-A-ACTGAACG. GRCh37 (hg19) VCF-style: chr6-49415473-A-ACTGAACG.
Other names: short protein forms K491fs.
Identifiers: ClinVar variation 5012359 (VCV005012359.1).

ClinVar aggregate classification (germline): Pathogenic (1 of 4 stars; one submission).

Conditions:
Methylmalonic aciduria due to methylmalonyl-CoA mutase deficiency (MAMM). Also called: Methylmalonic aciduria, mut type. Identifiers: Orphanet 27, MedGen C1855114, MONDO:0009612, OMIM 251000.

Submission:

Myriad Genetics, Inc.
Classification: Pathogenic for Methylmalonic aciduria due to methylmalonyl-CoA mutase deficiency. Last evaluated: 2023-10-04. Review status: criteria provided, single submitter. Criteria: Myriad Autosomal Dominant, Autosomal Recessive and X-Linked Classification Criteria (2023). Collection method: clinical testing. Allele origin: unknown.
Comment: NM_000255.3(MMUT):c.1469_1470ins7(K491Vfs*3) is expected to be pathogenic in the context of methylmalonic acidemia, MMUT-related. This variant is predicted to lead to an abnormal or absent protein product due to the creation of a premature termination codon in MMUT, a gene where loss-of-function variants are known to be pathogenic. Please note: this variant was assessed in the context of healthy population screening.